The following is an entry in ClinVar:

ClinVar aggregate classification (germline): Uncertain significance (1 of 4 stars; one submission).

Allele frequency attached by ClinVar (database versions not stated): TOPMed 0.00002; ExAC 0.00003; gnomAD 0.00004; gnomAD exomes 0.00011; ESP Exome Variant Server 0.00015.
gnomAD v4.1: 162 of 1,613,660 alleles (0.01%); highest among the groups gnomAD compares: Non-Finnish European, 0.013%; no homozygotes.

Submission:

Labcorp Genetics (formerly Invitae), Labcorp
Classification: Uncertain significance. Last evaluated: 2024-08-06. Review status: criteria provided, single submitter. Criteria: Invitae Variant Classification Sherloc (09022015). Collection method: clinical testing. Allele origin: germline.
Comment: This sequence change replaces methionine, which is neutral and non-polar, with isoleucine, which is neutral and non-polar, at codon 425 of the P4HB protein (p.Met425Ile). This variant is present in population databases (rs149469078, gnomAD 0.008%). This variant has not been reported in the literature in individuals affected with P4HB-related conditions. ClinVar contains an entry for this variant (Variation ID: 2200815). Advanced modeling of protein sequence and biophysical properties (such as structural, functional, and spatial information, amino acid conservation, physicochemical variation, residue mobility, and thermodynamic stability) performed at Invitae indicates that this missense variant is not expected to disrupt P4HB protein function with a negative predictive value of 80%. In summary, the available evidence is currently insufficient to determine the role of this variant in disease. Therefore, it has been classified as a Variant of Uncertain Significance.

NM_000918.4(P4HB):c.1275G>A (p.Met425Ile)

Gene: P4HB (prolyl 4-hydroxylase subunit beta; minus strand). Cytogenetic location: 17q25.3.
Variant type: single nucleotide variant.
Coding change: c.1275G>A on transcript NM_000918.4 (MANE Select); coding-DNA position 1275, G replaced by A.
Protein change: p.Met425Ile; replaces methionine 425 with isoleucine.
Molecular consequence: missense variant.
Genome position (GRCh38, 1-based): chr17:81,845,645, C>T on the plus strand (G>A on the coding strand, the complement: P4HB is on the minus strand). VCF-style: chr17-81845645-C-T. GRCh37 (hg19) VCF-style: chr17-79803521-C-T.
Other names: short protein forms M425I.
Identifiers: ClinVar variation 2200815 (VCV002200815.4), dbSNP rs149469078, ClinGen allele CA8842664.